The following is an entry in ClinVar:

NM_181882.3(PRX):c.2432G>T (p.Arg811Met)

Gene: PRX (periaxin; minus strand). Cytogenetic location: 19q13.2.
Variant type: single nucleotide variant.
Coding change: c.2432G>T on transcript NM_181882.3 (MANE Select); coding-DNA position 2432, G replaced by T.
Protein change: p.Arg811Met; replaces arginine 811 with methionine.
Molecular consequence: missense variant. On other transcripts: 3 prime UTR variant (1).
Genome position (GRCh38, 1-based): chr19:40,395,920, C>A on the plus strand (G>T on the coding strand, the complement: PRX is on the minus strand). VCF-style: chr19-40395920-C-A. GRCh37 (hg19) VCF-style: chr19-40901827-C-A.
Other names: c.*2637G>T (NM_020956.2); short protein forms R811M.
Identifiers: ClinVar variation 933826 (VCV000933826.9), dbSNP rs2079430119, ClinGen allele CA405896293.

ClinVar aggregate classification (germline): Uncertain significance (1 of 4 stars; one submission).

Conditions:
Charcot-Marie-Tooth disease type 4. Also called: Charcot-Marie-Tooth, Type 4; Charcot-Marie-Tooth disease, type IV. Identifiers: Orphanet 64749, MedGen C4082197, MONDO:0018995.

Allele frequency attached by ClinVar (database versions not stated): gnomAD 0.00001.
gnomAD v4.1: 1 of 1,614,082 alleles (0.000062%); highest among the groups gnomAD compares: African/African-American, 0.0013%; no homozygotes.

Submission:

Labcorp Genetics (formerly Invitae), Labcorp
Classification: Uncertain significance for Charcot-Marie-Tooth disease type 4. Last evaluated: 2019-09-07. Review status: criteria provided, single submitter. Criteria: Invitae Variant Classification Sherloc (09022015). Collection method: clinical testing. Allele origin: germline.
Comment: This variant is not present in population databases (ExAC no frequency). This sequence change replaces arginine with methionine at codon 811 of the PRX protein (p.Arg811Met). The arginine residue is moderately conserved and there is a moderate physicochemical difference between arginine and methionine. This variant has not been reported in the literature in individuals with PRX-related conditions. Algorithms developed to predict the effect of missense changes on protein structure and function are either unavailable or do not agree on the potential impact of this missense change (SIFT: "Tolerated"; PolyPhen-2: "Possibly Damaging"; Align-GVGD: "Class C0"). In summary, the available evidence is currently insufficient to determine the role of this variant in disease. Therefore, it has been classified as a Variant of Uncertain Significance.